The following is an entry in ClinVar:

ClinVar aggregate classification (germline): Benign/Likely benign. Review status: criteria provided, multiple submitters, no conflicts (2 of 4 stars). 2 submissions from 2 submitters: Benign (1); Likely benign (1). Last evaluated 2026-02-03.

Conditions:
RASopathy. Also called: rasopathies; Noonan spectrum disorder. Identifiers: Orphanet 536391, MedGen C5555857, MONDO:0021060.

Allele frequency attached by ClinVar (database versions not stated): gnomAD exomes 0.00001 and 0.00002; TOPMed 0.00001; ExAC 0.00002; gnomAD 0.00003.
gnomAD v4.1: 5 of 1,613,998 alleles (0.00031%); highest among the groups gnomAD compares: Admixed American, 0.005%; no homozygotes.

Submissions (2):

Labcorp Genetics (formerly Invitae), Labcorp
Classification: Likely benign for RASopathy. Last evaluated: 2026-02-03. Review status: criteria provided, single submitter. Criteria: Invitae Variant Classification Sherloc (09022015). Collection method: clinical testing. Allele origin: germline.

GeneDx
Classification: Benign. Last evaluated: 2015-12-04. Review status: criteria provided, single submitter. Criteria: GeneDx Variant Classification (06012015). Collection method: clinical testing. Allele origin: germline. Affected: yes.
Comment: This variant is considered likely benign or benign based on one or more of the following criteria: it is a conservative change, it occurs at a poorly conserved position in the protein, it is predicted to be benign by multiple in silico algorithms, and/or has population frequency not consistent with disease.

NM_002755.4(MAP2K1):c.177G>A (p.Lys59=)

Gene: MAP2K1 (mitogen-activated protein kinase kinase 1; plus strand). Cytogenetic location: 15q22.31.
Variant type: single nucleotide variant.
Coding change: c.177G>A on transcript NM_002755.4 (MANE Select); coding-DNA position 177, G replaced by A.
Protein change: p.Lys59=; no amino-acid change (lysine 59 retained).
Molecular consequence: synonymous variant.
Genome position (GRCh38, 1-based): chr15:66,435,123, G>A. VCF-style: chr15-66435123-G-A. GRCh37 (hg19) VCF-style: chr15-66727461-G-A.
Identifiers: ClinVar variation 378100 (VCV000378100.9), dbSNP rs773928828, ClinGen allele CA7623879.